The following is an entry in ClinVar:

NM_006208.3(ENPP1):c.2100+8T>A

Gene: ENPP1 (ectonucleotide pyrophosphatase/phosphodiesterase 1; plus strand). Cytogenetic location: 6q23.2.
Variant type: single nucleotide variant.
Coding change: c.2100+8T>A on transcript NM_006208.3 (MANE Select); 8 bases into the intron after coding-DNA position 2100, T replaced by A.
Molecular consequence: intron variant.
Genome position (GRCh38, 1-based): chr6:131,880,042, T>A. VCF-style: chr6-131880042-T-A. GRCh37 (hg19) VCF-style: chr6-132201182-T-A.
Identifiers: ClinVar variation 2129497 (VCV002129497.4), dbSNP rs2483521112, ClinGen allele CA2578743196.

ClinVar aggregate classification (germline): Uncertain significance (1 of 4 stars; one submission).

Submission:

Labcorp Genetics (formerly Invitae), Labcorp
Classification: Uncertain significance. Last evaluated: 2022-04-23. Review status: criteria provided, single submitter. Criteria: Invitae Variant Classification Sherloc (09022015). Collection method: clinical testing. Allele origin: germline.
Comment: In summary, the available evidence is currently insufficient to determine the role of this variant in disease. Therefore, it has been classified as a Variant of Uncertain Significance. Algorithms developed to predict the effect of sequence changes on RNA splicing suggest that this variant may disrupt the consensus splice site. This variant has not been reported in the literature in individuals affected with ENPP1-related conditions. This variant is not present in population databases (gnomAD no frequency). This sequence change falls in intron 20 of the ENPP1 gene. It does not directly change the encoded amino acid sequence of the ENPP1 protein.